The following is an entry in ClinVar:

NM_001386140.1(MTTP):c.2253_2262del (p.Ile751fs)

Gene: MTTP (microsomal triglyceride transfer protein; plus strand). Cytogenetic location: 4q23.
Variant type: Deletion.
Coding change: c.2253_2262del on transcript NM_001386140.1 (MANE Select); coding-DNA positions 2253 to 2262, 10 bases deleted (AGAGGTCCAG; older notation c.2253_2262delAGAGGTCCAG).
Protein change: p.Ile751fs; shifts the reading frame from isoleucine 751.
Molecular consequence: frameshift variant.
Genome position (GRCh38, 1-based): chr4:99,619,009-99,619,018, AGAGGTCCAG deleted. VCF-style (leftmost placement, unchanged base first): chr4-99619008-TAGAGGTCCAG-T. GRCh37 (hg19) VCF-style: chr4-100540165-TAGAGGTCCAG-T.
Other names: c.2253_2262del, p.Ile751fs (NM_000253.4); c.2004_2013del, p.Ile668fs (NM_001300785.2); short protein forms I751fs, I668fs.
Identifiers: ClinVar variation 2703893 (VCV002703893.3), dbSNP rs1560627357, ClinGen allele CA553131009.

ClinVar aggregate classification (germline): Pathogenic (1 of 4 stars; one submission).

Allele frequency attached by ClinVar (database versions not stated): gnomAD exomes below 0.00001.

Submission:

Labcorp Genetics (formerly Invitae), Labcorp
Classification: Pathogenic. Last evaluated: 2023-12-18. Review status: criteria provided, single submitter. Criteria: Invitae Variant Classification Sherloc (09022015). Collection method: clinical testing. Allele origin: germline.
Comment: This sequence change creates a premature translational stop signal (p.Ile751Metfs*4) in the MTTP gene. It is expected to result in an absent or disrupted protein product. Loss-of-function variants in MTTP are known to be pathogenic (PMID: 8533758, 9671739). This variant is present in population databases (no rsID available, gnomAD 0.0009%). This variant has not been reported in the literature in individuals affected with MTTP-related conditions. For these reasons, this variant has been classified as Pathogenic.

Literature cited by the submitters: PubMed 8533758; PubMed 9671739.